The following is an entry in ClinVar:

ClinVar aggregate classification (germline): Uncertain significance (1 of 4 stars; one submission).

Conditions:
Inborn genetic diseases. Identifiers: MedGen C0950123, MeSH D030342.

Submission:

Ambry Genetics
Classification: Uncertain significance for Inborn genetic diseases. Last evaluated: 2026-03-03. Review status: criteria provided, single submitter. Criteria: Ambry Variant Classification Scheme 2023. Collection method: clinical testing. Allele origin: germline.
Comment: The p.P519L variant (also known as c.1556C>T), located in coding exon 12 of the ASXL1 gene, results from a C to T substitution at nucleotide position 1556. The proline at codon 519 is replaced by leucine, an amino acid with similar properties. This amino acid position is conserved. In addition, this alteration is predicted to be tolerated by in silico analysis. Based on the available evidence, the clinical significance of this variant remains unclear.

NM_015338.6(ASXL1):c.1556C>T (p.Pro519Leu)

Gene: ASXL1 (ASXL transcriptional regulator 1; plus strand). Cytogenetic location: 20q11.21.
Variant type: single nucleotide variant.
Coding change: c.1556C>T on transcript NM_015338.6 (MANE Select); coding-DNA position 1556, C replaced by T.
Protein change: p.Pro519Leu; replaces proline 519 with leucine.
Molecular consequence: missense variant.
Genome position (GRCh38, 1-based): chr20:32,433,754, C>T. VCF-style: chr20-32433754-C-T. GRCh37 (hg19) VCF-style: chr20-31021557-C-T.
Other names: c.1373C>T, p.Pro458Leu (NM_001363734.1); short protein forms P458L, P519L.
Identifiers: ClinVar variation 4827401 (VCV004827401.1).